The following is an entry in ClinVar:

ClinVar aggregate classification (germline): Uncertain significance. Review status: criteria provided, multiple submitters, no conflicts (2 of 4 stars). 4 submissions from 4 submitters: Uncertain significance (4). Last evaluated 2024-03-11.

Conditions:
Arrhythmogenic right ventricular dysplasia 9 (ARVD9). Also called: Arrhythmogenic Right Ventricular Dysplasia/Cardiomyopathy 9; ARRHYTHMOGENIC RIGHT VENTRICULAR DYSPLASIA, FAMILIAL, 9. Identifiers: MedGen C1836906, MONDO:0012180, OMIM 609040.
Arrhythmogenic right ventricular cardiomyopathy (ARVD). Also called: Cardiomyopathy, ARVC; Arrhythmogenic right ventricular dysplasia; Arrhythmogenic cardiomyopathy; Arrhythmogenic Right Ventricular Cardiomyopathy (ARVC). Identifiers: Orphanet 247, MedGen C0349788, MeSH D019571, MONDO:0016587. Disease mechanism: loss of function. Inheritance: Various modes of inheritance.
Cardiovascular phenotype. Identifiers: MedGen CN230736.

Allele frequency attached by ClinVar (database versions not stated): gnomAD exomes below 0.00001; TOPMed below 0.00001; ExAC 0.00001; gnomAD 0.00001.

Submissions (4):

Labcorp Genetics (formerly Invitae), Labcorp
Classification: Uncertain significance for Arrhythmogenic right ventricular dysplasia 9. Last evaluated: 2024-03-11. Review status: criteria provided, single submitter. Criteria: Invitae Variant Classification Sherloc (09022015). Collection method: clinical testing. Allele origin: germline.
Comment: This sequence change replaces methionine, which is neutral and non-polar, with threonine, which is neutral and polar, at codon 252 of the PKP2 protein (p.Met252Thr). This variant is present in population databases (rs776049790, gnomAD 0.003%). This variant has not been reported in the literature in individuals affected with PKP2-related conditions. ClinVar contains an entry for this variant (Variation ID: 1759522). An algorithm developed to predict the effect of missense changes on protein structure and function (PolyPhen-2) suggests that this variant is likely to be tolerated. In summary, the available evidence is currently insufficient to determine the role of this variant in disease. Therefore, it has been classified as a Variant of Uncertain Significance.

All of Us Research Program, National Institutes of Health
Classification: Uncertain significance for Arrhythmogenic right ventricular cardiomyopathy. Last evaluated: 2024-01-11. Review status: criteria provided, single submitter. Criteria: ACMG Guidelines, 2015. Collection method: clinical testing. Allele origin: germline. Inheritance: Autosomal dominant inheritance. Observed: 1 variant allele, 1 heterozygote.
Comment: This study involves interpretation of variants in research participants for the purpose of population health screening. Participant phenotype was not available at the time of variant classification. Additional details can be found in publication PMID: 35346344, PMCID: PMC8962531

Blueprint Genetics
Classification: Uncertain significance. Last evaluated: 2023-01-05. Review status: criteria provided, single submitter. Criteria: ACMG Guidelines, 2015. Collection method: clinical testing. Allele origin: germline.

Ambry Genetics
Classification: Uncertain significance for Cardiovascular phenotype. Last evaluated: 2019-09-23. Review status: criteria provided, single submitter. Criteria: Ambry Variant Classification Scheme 2023. Collection method: clinical testing. Allele origin: germline.
Comment: The p.M252T variant (also known as c.755T>C), located in coding exon 3 of the PKP2 gene, results from a T to C substitution at nucleotide position 755. The methionine at codon 252 is replaced by threonine, an amino acid with similar properties. This amino acid position is not well conserved in available vertebrate species, and threonine is the reference amino acid in other vertebrate species. In addition, this alteration is predicted to be tolerated by in silico analysis. Since supporting evidence is limited at this time, the clinical significance of this alteration remains unclear.

NM_001005242.3(PKP2):c.755T>C (p.Met252Thr)

Gene: PKP2 (plakophilin 2; minus strand). Cytogenetic location: 12p11.21.
Variant type: single nucleotide variant.
Coding change: c.755T>C on transcript NM_001005242.3 (MANE Select); coding-DNA position 755, T replaced by C.
Protein change: p.Met252Thr; replaces methionine 252 with threonine.
Molecular consequence: missense variant.
Genome position (GRCh38, 1-based): chr12:32,878,125, A>G on the plus strand (T>C on the coding strand, the complement: PKP2 is on the minus strand). VCF-style: chr12-32878125-A-G. GRCh37 (hg19) VCF-style: chr12-33031059-A-G.
Other names: c.755T>C, p.Met252Thr (NM_001407155.1, NM_001407156.1, NM_001407157.1 and 2 more transcripts); c.428T>C, p.Met143Thr (NM_001407158.1, NM_001407159.1, NM_001407160.1 and 1 more transcripts); short protein forms M143T, M252T.
Identifiers: ClinVar variation 1759522 (VCV001759522.9), dbSNP rs776049790, ClinGen allele CA038655.
Genomic context (GRCh38, chr12:32,878,125, plus strand): 5'-CTGACCTGCCCGACAGTGAGCCCTGCCGTCAGGTAGTTCTCCTTCTCCAAGAGGTTGCCC[A>G]TGCTGCGGCTGGTCCCTGGCCTGGGGTACGTGAGCAGGGCCGGGTTGGCAGGGATGCTGT-3'
Protein context (NP_001005242.2, residues 242-262): TYPRPGTSRS[Met252Thr]GNLLEKENYL